The following is an entry in ClinVar:

ClinVar aggregate classification (germline): Conflicting classifications of pathogenicity. Review status: criteria provided, conflicting classifications (1 of 4 stars). 7 submissions from 6 submitters: Pathogenic (3); Uncertain significance (2). 2 of the submissions do not count toward it. Last evaluated 2026-01-22.

Conditions:
Hereditary hyperinsulinism.
Transitory neonatal diabetes mellitus. Also called: Transient neonatal diabetes mellitus. Identifiers: MedGen C0342273, MONDO:0020525, HP:0008255.
Maturity-onset diabetes of the young (MODY). Also called: Maturity onset diabetes mellitus in young. Identifiers: Orphanet 552, MedGen C0342276, MONDO:0018911, HP:0004904.
Hyperinsulinemic hypoglycemia, familial, 1 (HHF1). Also called: Persistent hyperinsulinemic hypoglycemia of infancy; HYPERINSULINISM, FAMILIAL, WITH PANCREATIC NESIDIOBLASTOSIS; HYPOGLYCEMIA, HYPERINSULINEMIC, OF INFANCY; NESIDIOBLASTOSIS OF PANCREAS; Persistent Hyperinsulinemia Hypoglycemia of Infancy. Identifiers: Orphanet 276575, Orphanet 276598, MedGen C2931832, MONDO:0009734, OMIM 256450.
Type 2 diabetes mellitus. Also called: Type II diabetes mellitus. Identifiers: MedGen C0011860, MeSH D003924, MONDO:0005148, OMIM 125853, HP:0005978.

Allele frequency attached by ClinVar (database versions not stated): gnomAD exomes below 0.00001.
gnomAD v4.1: 5 of 1,614,022 alleles (0.00031%); highest among the groups gnomAD compares: Non-Finnish European, 0.00025%; no homozygotes.

Submissions (7):

Natera, Inc.
Classification: Pathogenic for Hereditary hyperinsulinism. Last evaluated: 2026-01-22. Review status: criteria provided, single submitter. Criteria: Natera Variant Classification Schema (03/2026). Collection method: clinical testing. Allele origin: germline.
Comment: The c.291-2A>G variant in ABCC8 is a canonical splice acceptor site variant predicted to affect pre-mRNA splicing, which may result in an abnormal transcript and altered protein product. This variant is expected to result in nonsense mediated decay, truncation, or a dysfunctional protein product. This variant is rare in the general population with a frequency below the threshold expected for the associated phenotype(s). This variant has been observed in one or more individuals affected with the associated recessive disease, as either homozygous or compound heterozygous with a second variant (PMID: 23275527). Given the available evidence, this variant is classified as Pathogenic.

Baylor Genetics
Classification: Pathogenic for Type 2 diabetes mellitus. Last evaluated: 2024-03-11. Review status: criteria provided, single submitter. Criteria: ACMG Guidelines, 2015. Collection method: clinical testing. Allele origin: unknown.

Labcorp Genetics (formerly Invitae), Labcorp
Classification: Pathogenic. Last evaluated: 2024-02-01. Review status: criteria provided, single submitter. Criteria: Invitae Variant Classification Sherloc (09022015). Collection method: clinical testing. Allele origin: germline.
Comment: This sequence change affects an acceptor splice site in intron 2 of the ABCC8 gene. It is expected to disrupt RNA splicing. Variants that disrupt the donor or acceptor splice site typically lead to a loss of protein function (PMID: 16199547), and loss-of-function variants in ABCC8 are known to be pathogenic (PMID: 20685672, 23345197). This variant is not present in population databases (gnomAD no frequency). Disruption of this splice site has been observed in individuals with autosomal recessive diffuse hyperinsulinism (PMID: 23275527). ClinVar contains an entry for this variant (Variation ID: 189097). Algorithms developed to predict the effect of sequence changes on RNA splicing suggest that this variant may disrupt the consensus splice site. For these reasons, this variant has been classified as Pathogenic.

Clinical Genomics, Uppaluri K&H Personalized Medicine Clinic
Classification: Uncertain significance for Maturity-onset diabetes of the young. Review status: criteria provided, single submitter. Criteria: K & H Uppaluri Personalized Medicine Clinic Variant Classification & Assertion Criteria_Updated V.1. Collection method: research. Allele origin: unknown. Inheritance: Somatic mutation.
Comment: Mutations in ABCC8 gene are associated with both neonatal diabetes mellitus as well as MODY. Patients with this mutation may have a better response to sulfonylureas. However, no sufficient evidence is found to ascertain the role of this particular variant (rs786204695) in MODY yet.

Clinical Genomics, Uppaluri K&H Personalized Medicine Clinic
Classification: Uncertain significance for Transitory neonatal diabetes mellitus. Review status: criteria provided, single submitter. Criteria: K & H Uppaluri Personalized Medicine Clinic Variant Classification & Assertion Criteria_Updated V.1. Collection method: research. Allele origin: unknown. Inheritance: Somatic mutation.
Comment: Mutations in ABCC8 gene are associated with both neonatal diabetes mellitus as well as MODY. Patients with this mutation may have a better response to sulfonylureas. However, no sufficient evidence is found to ascertain the role of this particular variant (rs786204695) in neonatal diabetes yet.

Counsyl
Classification: Likely pathogenic for Persistent hyperinsulinemic hypoglycemia of infancy. Last evaluated: 2014-12-18. Review status: no assertion criteria provided. Collection method: literature only. Allele origin: unknown. Inheritance: Autosomal recessive inheritance. Not counted in ClinVar's aggregate classification.

Genomics England Pilot Project, Genomics England
Classification: Likely pathogenic for Hyperinsulinemic hypoglycemia, familial, 1. Review status: no assertion criteria provided. Criteria: ACGS Guidelines, 2016. Collection method: clinical testing. Allele origin: germline. Affected: yes. Not counted in ClinVar's aggregate classification.

Literature cited by the submitters: PubMed 23275527 (cited by 3 submitters); PubMed 16199547 (cited by Labcorp Genetics (formerly Invitae), Labcorp); PubMed 20685672 (cited by Labcorp Genetics (formerly Invitae), Labcorp); PubMed 23345197 (cited by Labcorp Genetics (formerly Invitae), Labcorp); PubMed 16885549 (cited by Clinical Genomics, Uppaluri K&H Personalized Medicine Clinic); PubMed 21989597 (cited by Clinical Genomics, Uppaluri K&H Personalized Medicine Clinic); PubMed 27538677 (cited by Clinical Genomics, Uppaluri K&H Personalized Medicine Clinic); PubMed 18981553 (cited by Clinical Genomics, Uppaluri K&H Personalized Medicine Clinic); PubMed 32027066 (cited by Clinical Genomics, Uppaluri K&H Personalized Medicine Clinic); PubMed 16613899 (cited by Clinical Genomics, Uppaluri K&H Personalized Medicine Clinic); PubMed 18025408 (cited by Clinical Genomics, Uppaluri K&H Personalized Medicine Clinic); PubMed 32792356 (cited by Clinical Genomics, Uppaluri K&H Personalized Medicine Clinic).

NM_000352.6(ABCC8):c.291-2A>G

Gene: ABCC8 (ATP binding cassette subfamily C member 8; minus strand). Cytogenetic location: 11p15.1.
Variant type: single nucleotide variant.
Coding change: c.291-2A>G on transcript NM_000352.6 (MANE Select); the canonical splice acceptor site of the intron before coding-DNA position 291, A replaced by G.
Molecular consequence: splice acceptor variant.
Genome position (GRCh38, 1-based): chr11:17,470,224, T>C on the plus strand (A>G on the coding strand, the complement: ABCC8 is on the minus strand). VCF-style: chr11-17470224-T-C. GRCh37 (hg19) VCF-style: chr11-17491771-T-C.
Other names: c.291-2A>G (NM_001351297.2, NM_001351296.2, NM_001351295.2 and 1 more transcripts).
Identifiers: ClinVar variation 189097 (VCV000189097.18), dbSNP rs786204695, ClinGen allele CA274374.